The following is an entry in ClinVar:

ClinVar aggregate classification (germline): Uncertain significance. Review status: criteria provided, multiple submitters, no conflicts (2 of 4 stars). 2 submissions from 2 submitters: Uncertain significance (2). Last evaluated 2023-02-26.

Conditions:
Renal cell carcinoma. Identifiers: Orphanet 217071, MedGen C0007134, MeSH D002292, MONDO:0005086, HP:0005584.
Hereditary cancer-predisposing syndrome. Also called: Neoplastic Syndromes, Hereditary; Tumor predisposition; Hereditary Cancer Syndrome; Hereditary neoplastic syndrome. Identifiers: Orphanet 140162, MedGen C0027672, MeSH D009386, MONDO:0015356.

Submissions (2):

Labcorp Genetics (formerly Invitae), Labcorp
Classification: Uncertain significance for Renal cell carcinoma. Last evaluated: 2023-02-26. Review status: criteria provided, single submitter. Criteria: Invitae Variant Classification Sherloc (09022015). Collection method: clinical testing. Allele origin: germline.
Comment: This variant is not present in population databases (gnomAD no frequency). This sequence change creates a premature translational stop signal (p.Arg359*) in the MET gene. It is expected to result in an absent or disrupted protein product. However, the current clinical and genetic evidence is not sufficient to establish whether loss-of-function variants in MET cause disease. This variant has not been reported in the literature in individuals affected with MET-related conditions. In summary, the available evidence is currently insufficient to determine the role of this variant in disease. Therefore, it has been classified as a Variant of Uncertain Significance. ClinVar contains an entry for this variant (Variation ID: 1784717).

Ambry Genetics
Classification: Uncertain significance for Hereditary cancer-predisposing syndrome. Last evaluated: 2021-03-23. Review status: criteria provided, single submitter. Criteria: Ambry Variant Classification Scheme 2023. Collection method: clinical testing. Allele origin: germline.
Comment: The p.R359* variant (also known as c.1075C>T), located in coding exon 1 of the MET gene, results from a C to T substitution at nucleotide position 1075. This changes the amino acid from an arginine to a stop codon within coding exon 1. This alteration is expected to result in premature protein truncation or nonsense-mediated mRNA decay. However, loss of function of MET has not been clearly established as a mechanism of disease.. Since supporting evidence is limited at this time, the clinical significance of this alteration remains unclear.

NM_000245.4(MET):c.1075C>T (p.Arg359Ter)

Gene: MET (MET proto-oncogene, receptor tyrosine kinase; plus strand). Cytogenetic location: 7q31.2.
Variant type: single nucleotide variant.
Coding change: c.1075C>T on transcript NM_000245.4 (MANE Select); coding-DNA position 1075, C replaced by T.
Protein change: p.Arg359Ter; replaces arginine 359 with a stop codon.
Molecular consequence: nonsense. On other transcripts: intron variant (1).
Genome position (GRCh38, 1-based): chr7:116,700,159, C>T. VCF-style: chr7-116700159-C-T. GRCh37 (hg19) VCF-style: chr7-116340213-C-T.
Other names: c.1075C>T, p.Arg359Ter (NM_001127500.3, NM_001324401.3); c.-91+27582C>T (NM_001324402.2); short protein forms R359*.
Identifiers: ClinVar variation 1784717 (VCV001784717.5), dbSNP rs753762177, ClinGen allele CA164889432.
Genomic context (GRCh38, chr7:116,700,159, plus strand): 5'-GATGACATTCTTTTCGGGGTGTTCGCACAAAGCAAGCCAGATTCTGCCGAACCAATGGAT[C>T]GATCTGCCATGTGTGCATTCCCTATCAAATATGTCAACGACTTCTTCAACAAGATCGTCA-3'